The following is an entry in ClinVar:

NM_000141.5(FGFR2):c.2351C>T (p.Pro784Leu)

Gene: FGFR2 (fibroblast growth factor receptor 2; minus strand). Cytogenetic location: 10q26.13.
Variant type: single nucleotide variant.
Coding change: c.2351C>T on transcript NM_000141.5 (MANE Select); coding-DNA position 2351, C replaced by T.
Protein change: p.Pro784Leu; replaces proline 784 with leucine.
Molecular consequence: missense variant. On other transcripts: non-coding transcript variant (1), intron variant (1).
Genome position (GRCh38, 1-based): chr10:121,479,972, G>A on the plus strand (C>T on the coding strand, the complement: FGFR2 is on the minus strand). VCF-style: chr10-121479972-G-A. GRCh37 (hg19) VCF-style: chr10-123239486-G-A.
Other names: c.2015C>T, p.Pro672Leu (NM_001144914.1); c.2006C>T, p.Pro669Leu (NM_001144916.2); c.2003C>T, p.Pro668Leu (NM_001144917.2); c.2000C>T, p.Pro667Leu (NM_001144918.2); c.1667C>T, p.Pro556Leu (NM_001320654.2); c.2345C>T, p.Pro782Leu (NM_001320658.2); c.2354C>T, p.Pro785Leu (NM_022970.4); c.2084C>T, p.Pro695Leu (NM_023029.3); and 1 more; short protein forms P556L, P667L, P668L, P669L, P672L, P695L, P782L, P784L.
Identifiers: ClinVar variation 3372373 (VCV003372373.1).

ClinVar aggregate classification (germline): Uncertain significance (1 of 4 stars; one submission).

Submission:

GeneDx
Classification: Uncertain significance. Last evaluated: 2024-04-19. Review status: criteria provided, single submitter. Criteria: GeneDx Variant Classification Process June 2021. Collection method: clinical testing. Allele origin: germline. Affected: yes.
Comment: Not observed at significant frequency in large population cohorts (gnomAD); In silico analysis supports that this missense variant has a deleterious effect on protein structure/function; Has not been previously published as pathogenic or benign to our knowledge